The following is an entry in ClinVar:

NM_004706.4(ARHGEF1):c.43C>T (p.Arg15Trp)

Gene: ARHGEF1 (Rho guanine nucleotide exchange factor 1; plus strand). Cytogenetic location: 19q13.2.
Variant type: single nucleotide variant.
Coding change: c.43C>T on transcript NM_004706.4 (MANE Select); coding-DNA position 43, C replaced by T.
Protein change: p.Arg15Trp; replaces arginine 15 with tryptophan.
Molecular consequence: missense variant.
Genome position (GRCh38, 1-based): chr19:41,888,210, C>T. VCF-style: chr19-41888210-C-T. GRCh37 (hg19) VCF-style: chr19-42392281-C-T.
Other names: c.43C>T, p.Arg15Trp (NM_198977.2); c.88C>T, p.Arg30Trp (NM_199002.2); short protein forms R15W, R30W.
Identifiers: ClinVar variation 1439194 (VCV001439194.6), dbSNP rs1349104759, ClinGen allele CA406042596.

ClinVar aggregate classification (germline): Uncertain significance (1 of 4 stars; one submission).

Allele frequency attached by ClinVar (database versions not stated): gnomAD exomes 0.00001; gnomAD 0.00001.
gnomAD v4.1: 11 of 1,614,020 alleles (0.00068%); highest among the groups gnomAD compares: South Asian, 0.0022%; no homozygotes.

Submission:

Labcorp Genetics (formerly Invitae), Labcorp
Classification: Uncertain significance. Last evaluated: 2025-06-27. Review status: criteria provided, single submitter. Criteria: Invitae Variant Classification Sherloc (09022015). Collection method: clinical testing. Allele origin: germline.
Comment: This sequence change replaces arginine, which is basic and polar, with tryptophan, which is neutral and slightly polar, at codon 30 of the ARHGEF1 protein (p.Arg30Trp). This variant is present in population databases (no rsID available, gnomAD 0.003%). This variant has not been reported in the literature in individuals affected with ARHGEF1-related conditions. ClinVar contains an entry for this variant (Variation ID: 1439194). An algorithm developed to predict the effect of missense changes on protein structure and function (PolyPhen-2) suggests that this variant is likely to be disruptive. In summary, the available evidence is currently insufficient to determine the role of this variant in disease. Therefore, it has been classified as a Variant of Uncertain Significance.